The following is an entry in ClinVar:

ClinVar aggregate classification (germline): Likely benign (1 of 4 stars; one submission).

Allele frequency attached by ClinVar (database versions not stated): TOPMed below 0.00001; gnomAD 0.00001.

Submission:

CeGaT Center for Human Genetics Tuebingen
Classification: Likely benign. Last evaluated: 2022-07-01. Review status: criteria provided, single submitter. Criteria: CeGaT Center For Human Genetics Tuebingen Variant Classification Criteria Version 2. Collection method: clinical testing. Allele origin: germline. Affected: yes. Observed: 1 variant allele.
Comment: PHIP: BP4

NM_017934.7(PHIP):c.923+3C>A

Gene: PHIP (PHIP subunit of CUL4-Ring ligase complex; minus strand). Cytogenetic location: 6q14.1.
Variant type: single nucleotide variant.
Coding change: c.923+3C>A on transcript NM_017934.7 (MANE Select); 3 bases into the intron after coding-DNA position 923, C replaced by A.
Molecular consequence: intron variant.
Genome position (GRCh38, 1-based): chr6:79,025,516, G>T on the plus strand (C>A on the coding strand, the complement: PHIP is on the minus strand). VCF-style: chr6-79025516-G-T. GRCh37 (hg19) VCF-style: chr6-79735233-G-T.
Identifiers: ClinVar variation 1701510 (VCV001701510.31), dbSNP rs747091686, ClinGen allele CA828474937.